The following is an entry in ClinVar:

ClinVar aggregate classification (germline): Likely pathogenic (1 of 4 stars; one submission).

Conditions:
Cardiovascular phenotype. Identifiers: MedGen CN230736.

Submission:

Ambry Genetics
Classification: Likely pathogenic for Cardiovascular phenotype. Last evaluated: 2024-03-07. Review status: criteria provided, single submitter. Criteria: Ambry Variant Classification Scheme 2023. Collection method: clinical testing. Allele origin: germline.
Comment: The c.17140dupG variant, located in coding exon 67 of the TTN gene, results from a duplication of G at nucleotide position 17140, causing a translational frameshift with a predicted alternate stop codon (p.E5714Gfs*30). This exon is located in the I-band region of the N2-B isoform of the titin protein and is constitutively expressed in TTN transcripts (percent spliced in or PSI 100%). This variant is considered to be rare based on population cohorts in the Genome Aggregation Database (gnomAD). This alteration is expected to result in loss of function by premature protein truncation or nonsense-mediated mRNA decay. While truncating variants in TTN are present in 1-3% of the general population, truncating variants in the A-band are the most common cause of dilated cardiomyopathy (DCM) (Herman DS et al. N. Engl. J. Med., 2012 Feb;366:619-28; Roberts AM et al. Sci Transl Med, 2015 Jan;7:270ra6). TTN truncating variants encoded in constitutive exons (PSI >90%) have been found to be significantly associated with DCM regardless of their position in titin (Schafer S et al. Nat. Genet., 2017 01;49:46-53). Based on the majority of available evidence to date, this variant is likely to be pathogenic.

NM_001267550.2(TTN):c.44335dup (p.Glu14779fs)

Gene: TTN (titin; minus strand). Cytogenetic location: 2q31.2.
Variant type: Duplication.
Coding change: c.44335dup on transcript NM_001267550.2 (MANE Select); coding-DNA position 44335, one base duplicated (G; older notation c.44335dupG).
Protein change: p.Glu14779fs; shifts the reading frame from glutamic acid 14779.
Molecular consequence: frameshift variant.
Genome position (GRCh38, 1-based): chr2:178,629,390, C duplicated on the plus strand (G on the coding strand, the reverse complement: TTN is on the minus strand); the first of 4 consecutive C bases (chr2:178,629,390-178,629,393); duplicating any one gives the same sequence. VCF-style (leftmost placement, unchanged base first): chr2-178629389-T-TC. GRCh37 (hg19) VCF-style: chr2-179494116-T-TC.
Other names: c.39412dup, p.Glu13138fs (NM_001256850.1); c.17140dup, p.Glu5714fs (NM_003319.4); c.36631dup, p.Glu12211fs (NM_133378.4); c.17515dup, p.Glu5839fs (NM_133432.3); c.17716dup, p.Glu5906fs (NM_133437.4); c.17140dupG (NM_003319.4); short protein forms E12211fs, E13138fs, E14779fs, E5714fs, E5839fs, E5906fs.
Identifiers: ClinVar variation 3223201 (VCV003223201.1), dbSNP rs2059495906, ClinGen allele CA1039714075.